The following is an entry in ClinVar:

ClinVar aggregate classification (germline): Uncertain significance (1 of 4 stars; one submission).

Conditions:
Inborn genetic diseases. Identifiers: MedGen C0950123, MeSH D030342.

Submission:

Ambry Genetics
Classification: Uncertain significance for Inborn genetic diseases. Last evaluated: 2026-09-13. Review status: criteria provided, single submitter. Criteria: Ambry Variant Classification Scheme 2023. Collection method: clinical testing. Allele origin: germline.
Comment: The p.V54F variant (also known as c.160G>T), located in coding exon 2 of the ERCC6L2 gene, results from a G to T substitution at nucleotide position 160. The valine at codon 54 is replaced by phenylalanine, an amino acid with highly similar properties. This amino acid position is conserved. In addition, the in silico prediction for this alteration is inconclusive. Based on the available evidence, the clinical significance of this variant remains unclear.

NM_020207.7(ERCC6L2):c.160G>T (p.Val54Phe)

Gene: ERCC6L2 (ERCC excision repair 6 like 2; plus strand). Cytogenetic location: 9q22.32.
Variant type: single nucleotide variant.
Coding change: c.160G>T on transcript NM_020207.7 (MANE Select); coding-DNA position 160, G replaced by T.
Protein change: p.Val54Phe; replaces valine 54 with phenylalanine.
Molecular consequence: missense variant. On other transcripts: non-coding transcript variant (1).
Genome position (GRCh38, 1-based): chr9:95,880,982, G>T. VCF-style: chr9-95880982-G-T. GRCh37 (hg19) VCF-style: chr9-98643264-G-T.
Other names: c.160G>T, p.Val54Phe (NM_001010895.4, NM_001375291.1, NM_001375292.1 and 2 more transcripts); short protein forms V54F.
Identifiers: ClinVar variation 5036116 (VCV005036116.1).